The following is an entry in ClinVar:

ClinVar aggregate classification (germline): Uncertain significance (1 of 4 stars; one submission).

Submission:

Women's Health and Genetics/Laboratory Corporation of America, LabCorp
Classification: Uncertain significance. Last evaluated: 2023-05-09. Review status: criteria provided, single submitter. Criteria: LabCorp Variant Classification Summary - May 2015. Collection method: clinical testing. Allele origin: germline.
Comment: Variant summary: LRRK2 c.192_193delGT (p.Leu65AspfsX43) results in a premature termination codon, predicted to cause a truncation of the encoded protein or absence of the protein due to nonsense mediated decay. The variant was absent in 251396 control chromosomes (gnomAD). The available data on variant occurrences in the general population are insufficient to allow any conclusion about variant significance. To our knowledge, no occurrence of c.192_193delGT in individuals affected with Parkinson Disease 8, Autosomal Dominant and no experimental evidence demonstrating its impact on protein function have been reported. Currently, there is insufficient evidence supporting loss of function as a mechanism for Parkinson Disease in this gene. No clinical diagnostic laboratories have submitted clinical-significance assessments for this variant to ClinVar after 2014. Based on the evidence outlined above, the variant was classified as uncertain significance.

NM_198578.4(LRRK2):c.192_193del (p.Leu65fs)

Gene: LRRK2 (leucine rich repeat kinase 2; plus strand). Cytogenetic location: 12q12.
Variant type: Deletion.
Coding change: c.192_193del on transcript NM_198578.4 (MANE Select); coding-DNA positions 192 to 193, 2 bases deleted (GT; older notation c.192_193delGT).
Protein change: p.Leu65fs; shifts the reading frame from leucine 65.
Molecular consequence: frameshift variant.
Genome position (GRCh38, 1-based): chr12:40,225,595-40,225,596, GT deleted; deleting any 2 consecutive bases within chr12:40,225,594-40,225,596 gives the same sequence; the c. name uses the placement nearest the transcript's 3' end. VCF-style (leftmost placement, unchanged base first): chr12-40225593-CTG-C. GRCh37 (hg19) VCF-style: chr12-40619395-CTG-C.
Other names: short protein forms L65fs.
Identifiers: ClinVar variation 2506127 (VCV002506127.1), dbSNP rs1181905113, ClinGen allele CA688713942.
Genomic context (GRCh38, chr12:40,225,593, plus strand): 5'-TCCCCACCCACTTGTTTTCCAGCCTCCAAGTTATTTCAAGGCAAAAATATCCATGTGCCT[CTG>C]TTGATCGTCTTGGACTCCTATATGAGAGTCGCGAGTGTGCAGCAGGTAAAGGCATTGTTT-3'